The following is an entry in ClinVar:

ClinVar aggregate classification (germline): Uncertain significance. Review status: criteria provided, multiple submitters, no conflicts (2 of 4 stars). 6 submissions from 6 submitters: Uncertain significance (6). Last evaluated 2025-11-24.

Conditions:
RYR1-related disorder. Also called: RYR1-related disorders; RYR1-related condition. Identifiers: MedGen CN239331.
Malignant hyperthermia, susceptibility to, 1 (MHS1). Also called: Anesthesia related hyperthermia; Malignant hyperpyrexia; Fulminating hyperpyrexia; Pharmacogenic myopathy; RYR1-Related Malignant Hyperthermia Susceptibility; Malignant hyperthermia suceptibility 1. Identifiers: Orphanet 423, MedGen C2930980, MONDO:0007783, OMIM 145600.
Congenital multicore myopathy with external ophthalmoplegia (CMYO1B). Also called: MULTIMINICORE DISEASE WITH EXTERNAL OPHTHALMOPLEGIA; Congenital myopathy 1B, autosomal recessive; Minicore myopathy; Minicore myopathy with external ophthalmoplegia; MULTICORE MYOPATHY. Identifiers: Orphanet 598, Orphanet 98905, MedGen C1850674, MONDO:0009712, OMIM 255320, HP:0003789.
Congenital myopathy with fiber type disproportion. Also called: Congenital fiber-type disproportion myopathy; Congenital fiber-type disproportion. Identifiers: Orphanet 2020, MedGen C0546264, MONDO:0009711. Inheritance: all.
Central core myopathy (CMYO1A). Also called: CONGENITAL MYOPATHY 1A, AUTOSOMAL DOMINANT, WITH SUSCEPTIBILITY TO MALIGNANT HYPERTHERMIA; Central core disease; Myopathy, central fibrillar. Identifiers: Orphanet 597, MedGen C5830701, MONDO:0007294, OMIM 117000.
King Denborough syndrome (KDS). Identifiers: MedGen C1840365, MONDO:0020485, OMIM 619542.

Allele frequency attached by ClinVar (database versions not stated): gnomAD 0.00002; TOPMed 0.00002.
gnomAD v4.1: 24 of 1,548,892 alleles (0.0015%); highest among the groups gnomAD compares: African/African-American, 0.0082%; no homozygotes.

Submissions (6):

Labcorp Genetics (formerly Invitae), Labcorp
Classification: Uncertain significance for RYR1-related disorder. Last evaluated: 2025-11-24. Review status: criteria provided, single submitter. Criteria: Invitae Variant Classification Sherloc (09022015). Collection method: clinical testing. Allele origin: germline.
Comment: This sequence change replaces glutamic acid, which is acidic and polar, with lysine, which is basic and polar, at codon 1642 of the RYR1 protein (p.Glu1642Lys). The frequency data for this variant in the population databases is considered unreliable, as metrics indicate poor data quality at this position in the gnomAD database. This missense change has been observed in individual(s) with RYR1-related conditions (PMID: 32236737, 38127101). ClinVar contains an entry for this variant (Variation ID: 590546). Invitae Evidence Modeling of protein sequence and biophysical properties (such as structural, functional, and spatial information, amino acid conservation, physicochemical variation, residue mobility, and thermodynamic stability) indicates that this missense variant is expected to disrupt RYR1 protein function with a positive predictive value of 80%. In summary, the available evidence is currently insufficient to determine the role of this variant in disease. Therefore, it has been classified as a Variant of Uncertain Significance.

Color Diagnostics, LLC DBA Color Health
Classification: Uncertain significance for Malignant hyperthermia, susceptibility to, 1. Last evaluated: 2025-08-08. Review status: criteria provided, single submitter. Criteria: ACMG Guidelines, 2015. Collection method: clinical testing. Allele origin: germline.
Comment: This missense variant replaces glutamic acid with lysine at codon 1642 of the RYR1 protein. Computational prediction suggests that this variant may have deleterious impact on protein structure and function. To our knowledge, functional studies have not been reported for this variant. This variant has been reported in an individual with a personal history of a malignant hyperthermia event but no IVCT results (PMID: 31559918). This variant has been identified in 1/31296 chromosomes in the general population by the Genome Aggregation Database (gnomAD). The available evidence is insufficient to determine the role of this variant in disease conclusively. Therefore, this variant is classified as a Variant of Uncertain Significance.

All of Us Research Program, National Institutes of Health
Classification: Uncertain significance for Malignant hyperthermia, susceptibility to, 1. Last evaluated: 2024-09-23. Review status: criteria provided, single submitter. Criteria: ACMG Guidelines, 2015. Collection method: clinical testing. Allele origin: germline. Inheritance: Autosomal dominant inheritance. Observed: 2 variant alleles, 2 heterozygotes.
Comment: This study involves interpretation of variants in research participants for the purpose of population health screening. Participant phenotype was not available at the time of variant classification. Additional details can be found in publication PMID: 35346344, PMCID: PMC8962531

Revvity Omics, Revvity
Classification: Uncertain significance. Last evaluated: 2023-09-26. Review status: criteria provided, single submitter. Criteria: ACMG Guidelines, 2015. Collection method: clinical testing. Allele origin: germline.

Fulgent Genetics
Classification: Uncertain significance for Central core myopathy; Malignant hyperthermia, susceptibility to, 1; Congenital myopathy 4A, autosomal dominant; Congenital multicore myopathy with external ophthalmoplegia; King Denborough syndrome. Last evaluated: 2021-10-01. Review status: criteria provided, single submitter. Criteria: ACMG Guidelines, 2015. Collection method: clinical testing. Allele origin: unknown.

PreventionGenetics, part of Exact Sciences
Classification: Uncertain significance. Last evaluated: 2017-09-27. Review status: criteria provided, single submitter. Criteria: ACMG Guidelines, 2015. Collection method: clinical testing. Allele origin: germline.

Literature cited by the submitters: PubMed 32236737 (cited by Labcorp Genetics (formerly Invitae), Labcorp); PubMed 38127101 (cited by Labcorp Genetics (formerly Invitae), Labcorp); PubMed 31559918 (cited by Color Diagnostics, LLC DBA Color Health).

NM_000540.3(RYR1):c.4924G>A (p.Glu1642Lys)

Gene: RYR1 (ryanodine receptor 1; plus strand). Cytogenetic location: 19q13.2.
Variant type: single nucleotide variant.
Coding change: c.4924G>A on transcript NM_000540.3 (MANE Select); coding-DNA position 4924, G replaced by A.
Protein change: p.Glu1642Lys; replaces glutamic acid 1642 with lysine.
Molecular consequence: missense variant.
Genome position (GRCh38, 1-based): chr19:38,483,506, G>A. VCF-style: chr19-38483506-G-A. GRCh37 (hg19) VCF-style: chr19-38974146-G-A.
Other names: c.4924G>A, p.Glu1642Lys (NM_001042723.2); short protein forms E1642K.
Identifiers: ClinVar variation 590546 (VCV000590546.14), dbSNP rs1041070277, ClinGen allele CA308090878.